The following is an entry in ClinVar:

ClinVar aggregate classification (germline): Uncertain significance (1 of 4 stars; one submission).

Submission:

GeneDx
Classification: Uncertain significance. Last evaluated: 2025-05-07. Review status: criteria provided, single submitter. Criteria: GeneDx Variant Classification Process June 2021. Collection method: clinical testing. Allele origin: germline. Affected: yes.
Comment: Not observed at significant frequency in large population cohorts (gnomAD); In silico analysis supports that this missense variant has a deleterious effect on protein structure/function; Has not been previously published as pathogenic or benign to our knowledge

NM_001127222.2(CACNA1A):c.6081C>A (p.Ser2027Arg)

Gene: CACNA1A (calcium voltage-gated channel subunit alpha1 A; minus strand). Cytogenetic location: 19p13.13.
Variant type: single nucleotide variant.
Coding change: c.6081C>A on transcript NM_001127222.2 (MANE Select); coding-DNA position 6081, C replaced by A.
Protein change: p.Ser2027Arg; replaces serine 2027 with arginine.
Molecular consequence: missense variant.
Genome position (GRCh38, 1-based): chr19:13,212,492, G>T on the plus strand (C>A on the coding strand, the complement: CACNA1A is on the minus strand). VCF-style: chr19-13212492-G-T. GRCh37 (hg19) VCF-style: chr19-13323306-G-T.
Other names: c.6099C>A, p.Ser2033Arg (NM_000068.4, NM_023035.3); c.6084C>A, p.Ser2028Arg (NM_001127221.2); c.6090C>A, p.Ser2030Arg (NM_001174080.2); short protein forms S2027R, S2028R, S2030R, S2033R.
Identifiers: ClinVar variation 1308568 (VCV001308568.3), dbSNP rs2144525037, ClinGen allele CA404333048.
Genomic context (GRCh38, chr19:13,212,492, plus strand): 5'-CGGACTCCATGTGCCCGTCTTCTGGAACATCTCCTGGGCACGCTGGGTCACCCAGGACGG[G>T]CTCTCCTTGAGGCCGCTTTCGTGAGCCATCCTGCATGGGGGACAGAGGCCGGGGTAGCAG-3'
Protein context (NP_001120694.1, residues 2017-2037): LMAHESGLKE[Ser2027Arg]PSWVTQRAQE